The following is an entry in ClinVar:

NM_004360.5(CDH1):c.541A>G (p.Asn181Asp)

Gene: CDH1 (cadherin 1; plus strand). Cytogenetic location: 16q22.1.
Variant type: single nucleotide variant.
Coding change: c.541A>G on transcript NM_004360.5 (MANE Select); coding-DNA position 541, A replaced by G.
Protein change: p.Asn181Asp; replaces asparagine 181 with aspartic acid.
Molecular consequence: missense variant. On other transcripts: 5 prime UTR variant (2).
Genome position (GRCh38, 1-based): chr16:68,808,702, A>G. VCF-style: chr16-68808702-A-G. GRCh37 (hg19) VCF-style: chr16-68842605-A-G.
Other names: c.541A>G, p.Asn181Asp (NM_001317184.2); c.-1075A>G (NM_001317185.2); c.-1279A>G (NM_001317186.2); short protein forms N181D.
Identifiers: ClinVar variation 2130956 (VCV002130956.4), dbSNP rs2543915629, ClinGen allele CA396457857.

ClinVar aggregate classification (germline): Uncertain significance (1 of 4 stars; one submission).

Conditions:
Hereditary diffuse gastric adenocarcinoma (HDGC). Also called: DIFFUSE GASTRIC AND LOBULAR BREAST CANCER SYNDROME. Identifiers: Orphanet 26106, MedGen C1708349, MONDO:0007648, OMIM 137215.

Submission:

Labcorp Genetics (formerly Invitae), Labcorp
Classification: Uncertain significance for Hereditary diffuse gastric adenocarcinoma. Last evaluated: 2022-04-27. Review status: criteria provided, single submitter. Criteria: Invitae Variant Classification Sherloc (09022015). Collection method: clinical testing. Allele origin: germline.
Comment: In summary, the available evidence is currently insufficient to determine the role of this variant in disease. Therefore, it has been classified as a Variant of Uncertain Significance. Algorithms developed to predict the effect of missense changes on protein structure and function are either unavailable or do not agree on the potential impact of this missense change (SIFT: "Tolerated"; PolyPhen-2: "Probably Damaging"; Align-GVGD: "Class C0"). This variant has not been reported in the literature in individuals affected with CDH1-related conditions. This variant is not present in population databases (gnomAD no frequency). This sequence change replaces asparagine, which is neutral and polar, with aspartic acid, which is acidic and polar, at codon 181 of the CDH1 protein (p.Asn181Asp).